The following is an entry in ClinVar:

ClinVar aggregate classification (germline): Uncertain significance. Review status: criteria provided, multiple submitters, no conflicts (2 of 4 stars). 2 submissions from 2 submitters: Uncertain significance (2). Last evaluated 2026-03-25.

Conditions:
Hereditary cancer-predisposing syndrome. Also called: Neoplastic Syndromes, Hereditary; Tumor predisposition; Hereditary Cancer Syndrome; Hereditary neoplastic syndrome. Identifiers: Orphanet 140162, MedGen C0027672, MeSH D009386, MONDO:0015356.
Hereditary pheochromocytoma and paraganglioma. Also called: Hereditary Paraganglioma-Pheochromocytoma Syndromes; Hereditary pheochromocytoma-paraganglioma; Hereditary paragangliomas and pheochromocytomas. Identifiers: Orphanet 29072, MedGen C4274332, MONDO:0017366.

Submissions (2):

Ambry Genetics
Classification: Uncertain significance for Hereditary cancer-predisposing syndrome. Last evaluated: 2026-03-25. Review status: criteria provided, single submitter. Criteria: Ambry Variant Classification Scheme 2023. Collection method: clinical testing. Allele origin: germline.
Comment: The p.W47S variant (also known as c.140G>C), located in coding exon 2 of the SDHB gene, results from a G to C substitution at nucleotide position 140. The tryptophan at codon 47 is replaced by serine, an amino acid with highly dissimilar properties. This amino acid position is highly conserved in available vertebrate species. In addition, this alteration is predicted to be deleterious by in silico analysis. Based on the available evidence, the clinical significance of this variant remains unclear.

All of Us Research Program, National Institutes of Health
Classification: Uncertain significance for Hereditary pheochromocytoma and paraganglioma. Last evaluated: 2024-02-05. Review status: criteria provided, single submitter. Criteria: ACMG Guidelines, 2015. Collection method: clinical testing. Allele origin: germline. Inheritance: Autosomal dominant inheritance. Observed: 1 variant allele, 1 heterozygote.
Comment: This missense variant replaces tryptophan with serine at codon 47 of the SDHB protein. Computational prediction suggests that this variant may have deleterious impact on protein structure and function (internally defined REVEL score threshold >= 0.7, PMID: 27666373). To our knowledge, functional studies have not been reported for this variant. This variant has not been reported in individuals affected with SDHB-related disorders in the literature. This variant has not been identified in the general population by the Genome Aggregation Database (gnomAD). The available evidence is insufficient to determine the role of this variant in disease conclusively. Therefore, this variant is classified as a Variant of Uncertain Significance.

This study involves interpretation of variants in research participants for the purpose of population health screening. Participant phenotype was not available at the time of variant classification. Additional details can be found in publication PMID: 35346344, PMCID: PMC8962531

NM_003000.3(SDHB):c.140G>C (p.Trp47Ser)

Gene: SDHB (succinate dehydrogenase complex iron sulfur subunit B; minus strand). Cytogenetic location: 1p36.13.
Variant type: single nucleotide variant.
Coding change: c.140G>C on transcript NM_003000.3 (MANE Select); coding-DNA position 140, G replaced by C.
Protein change: p.Trp47Ser; replaces tryptophan 47 with serine.
Molecular consequence: missense variant.
Genome position (GRCh38, 1-based): chr1:17,044,821, C>G on the plus strand (G>C on the coding strand, the complement: SDHB is on the minus strand). VCF-style: chr1-17044821-C-G. GRCh37 (hg19) VCF-style: chr1-17371316-C-G.
Other names: c.140G>C, p.Trp47Ser (NM_001407361.1); short protein forms W47S.
Identifiers: ClinVar variation 2562716 (VCV002562716.4), dbSNP rs1163621416, ClinGen allele CA338228071.